The following is an entry in ClinVar:

ClinVar aggregate classification (germline): Uncertain significance. Review status: criteria provided, multiple submitters, no conflicts (2 of 4 stars). 2 submissions from 2 submitters: Uncertain significance (2). Last evaluated 2025-07-18.

Conditions:
Hereditary cancer-predisposing syndrome. Also called: Hereditary neoplastic syndrome; Tumor predisposition; Neoplastic Syndromes, Hereditary; Hereditary Cancer Syndrome. Identifiers: Orphanet 140162, MedGen C0027672, MeSH D009386, MONDO:0015356.
Tuberous sclerosis 2 (TSC2). Identifiers: Orphanet 805, MedGen C1860707, MONDO:0013199, OMIM 613254.

Submissions (2):

Ambry Genetics
Classification: Uncertain significance for Hereditary cancer-predisposing syndrome. Last evaluated: 2025-07-18. Review status: criteria provided, single submitter. Criteria: Ambry Variant Classification Scheme 2023. Collection method: clinical testing. Allele origin: germline.
Comment: The p.R1268L variant (also known as c.3803G>T), located in coding exon 30 of the TSC2 gene, results from a G to T substitution at nucleotide position 3803. The arginine at codon 1268 is replaced by leucine, an amino acid with dissimilar properties. This amino acid position is well conserved in available vertebrate species. In addition, this alteration is predicted to be deleterious by in silico analysis. Since supporting evidence is limited at this time, the clinical significance of this alteration remains unclear.

Labcorp Genetics (formerly Invitae), Labcorp
Classification: Uncertain significance for Tuberous sclerosis 2. Last evaluated: 2024-04-03. Review status: criteria provided, single submitter. Criteria: Invitae Variant Classification Sherloc (09022015). Collection method: clinical testing. Allele origin: germline.
Comment: This sequence change replaces arginine, which is basic and polar, with leucine, which is neutral and non-polar, at codon 1268 of the TSC2 protein (p.Arg1268Leu). This variant is not present in population databases (gnomAD no frequency). This variant has not been reported in the literature in individuals affected with TSC2-related conditions. ClinVar contains an entry for this variant (Variation ID: 951136). Advanced modeling of protein sequence and biophysical properties (such as structural, functional, and spatial information, amino acid conservation, physicochemical variation, residue mobility, and thermodynamic stability) performed at Invitae indicates that this missense variant is not expected to disrupt TSC2 protein function with a negative predictive value of 95%. In summary, the available evidence is currently insufficient to determine the role of this variant in disease. Therefore, it has been classified as a Variant of Uncertain Significance.

NM_000548.5(TSC2):c.3803G>T (p.Arg1268Leu)

Gene: TSC2 (TSC complex subunit 2; plus strand). Cytogenetic location: 16p13.3.
Variant type: single nucleotide variant.
Coding change: c.3803G>T on transcript NM_000548.5 (MANE Select); coding-DNA position 3803, G replaced by T.
Protein change: p.Arg1268Leu; replaces arginine 1268 with leucine.
Molecular consequence: missense variant.
Genome position (GRCh38, 1-based): chr16:2,081,787, G>T. VCF-style: chr16-2081787-G-T. GRCh37 (hg19) VCF-style: chr16-2131788-G-T.
Other names: c.3671G>T, p.Arg1224Leu (NM_001077183.3, NM_001370404.1); c.3803G>T, p.Arg1268Leu (NM_001114382.3); c.3563G>T, p.Arg1188Leu (NM_001318827.2); c.3527G>T, p.Arg1176Leu (NM_001318829.2); c.3071G>T, p.Arg1024Leu (NM_001318831.2); c.3704G>T, p.Arg1235Leu (NM_001318832.2); c.3674G>T, p.Arg1225Leu (NM_001363528.2, NM_001370405.1, NM_021055.3); short protein forms R1176L, R1188L, R1224L, R1024L, R1235L, R1225L, R1268L.
Identifiers: ClinVar variation 951136 (VCV000951136.12), dbSNP rs200577441, ClinGen allele CA394293592.